The following is an entry in ClinVar:

NM_031407.7(HUWE1):c.12488ATG[1] (p.Asp4164del)

Gene: HUWE1 (HECT, UBA and WWE domain containing E3 ubiquitin protein ligase 1; minus strand). Cytogenetic location: Xp11.22.
Variant type: Microsatellite.
Coding change: c.12488ATG[1] on transcript NM_031407.7 (MANE Select); one copy of the 3-base unit ATG starting at c.12488; the reference has two copies in a row; one copy, 3 bases deleted.
Protein change: p.Asp4164del; deletes aspartic acid 4164.
Molecular consequence: inframe deletion.
Genome position (GRCh38, 1-based): chrX:53,536,185-53,536,187, CAT deleted on the plus strand (ATG on the coding strand, the reverse complement: HUWE1 is on the minus strand); deleting any 3 consecutive bases within chrX:53,536,185-53,536,190 gives the same sequence; the position shown is the placement nearest the transcript's 3' end. VCF-style (leftmost placement, unchanged base first): chrX-53536184-ACAT-A. GRCh37 (hg19) VCF-style: chrX-53563145-ACAT-A.
Other names: short protein forms D4164del.
Identifiers: ClinVar variation 3344840 (VCV003344840.1).

ClinVar aggregate classification (germline): Likely pathogenic (0 of 4 stars; one submission).

Conditions:
HUWE1-related disorder. Also called: HUWE1-related condition.

Submission:

PreventionGenetics, part of Exact Sciences
Classification: Likely pathogenic for HUWE1-related condition. Last evaluated: 2024-05-01. Review status: no assertion criteria provided. Collection method: clinical testing. Allele origin: germline.
Comment: The HUWE1 c.12491_12493delATG variant is predicted to result in an in-frame deletion (p.Asp4164del). This variant is present in the HECT protein domain, which is a hotspot for variants associated with X-linked intellectual disability (Giles and Grill. 2020. PubMed ID: 32336296; Moortgat et al. 2018. PubMed ID: 29180823). This variant has not been reported in a large population database, indicating this variant is rare. This variant is interpreted as likely pathogenic.